The following is an entry in ClinVar:

ClinVar aggregate classification (germline): Uncertain significance. Review status: criteria provided, multiple submitters, no conflicts (2 of 4 stars). 2 submissions from 2 submitters: Uncertain significance (2). Last evaluated 2025-11-16.

Conditions:
Hypertrophic cardiomyopathy. Also called: HYPERTROPHIC MYOCARDIOPATHY. Identifiers: Orphanet 217569, MedGen C0007194, MeSH D002312, MONDO:0005045, HP:0001639.

Allele frequency attached by ClinVar (database versions not stated): ExAC 0.00001; gnomAD 0.00001; gnomAD exomes 0.00001 and 0.00002; TOPMed 0.00003.
gnomAD v4.1: 27 of 1,613,808 alleles (0.0017%); highest among the groups gnomAD compares: East Asian, 0.0089%; no homozygotes.

Submissions (2):

Labcorp Genetics (formerly Invitae), Labcorp
Classification: Uncertain significance for Hypertrophic cardiomyopathy. Last evaluated: 2025-11-16. Review status: criteria provided, single submitter. Criteria: Invitae Variant Classification Sherloc (09022015). Collection method: clinical testing. Allele origin: germline.
Comment: This sequence change replaces arginine, which is basic and polar, with histidine, which is basic and polar, at codon 860 of the MYOM1 protein (p.Arg860His). This variant is present in population databases (rs770953683, gnomAD 0.02%). This variant has not been reported in the literature in individuals affected with MYOM1-related conditions. ClinVar contains an entry for this variant (Variation ID: 1436131). An algorithm developed to predict the effect of missense changes on protein structure and function outputs the following: PolyPhen-2: "Benign". The histidine amino acid residue is found in multiple mammalian species, which suggests that this missense change does not adversely affect protein function. In summary, the available evidence is currently insufficient to determine the role of this variant in disease. Therefore, it has been classified as a Variant of Uncertain Significance.

Ambry Genetics
Classification: Uncertain significance. Last evaluated: 2024-01-13. Review status: criteria provided, single submitter. Criteria: Ambry Variant Classification Scheme 2023. Collection method: clinical testing. Allele origin: germline.
Comment: The p.R860H variant (also known as c.2579G>A), located in coding exon 17 of the MYOM1 gene, results from a G to A substitution at nucleotide position 2579. The arginine at codon 860 is replaced by histidine, an amino acid with highly similar properties. This amino acid position is conserved. In addition, this alteration is predicted to be tolerated by in silico analysis. Since supporting evidence is limited at this time, the clinical significance of this alteration remains unclear.

NM_003803.4(MYOM1):c.2579G>A (p.Arg860His)

Gene: MYOM1 (myomesin 1; minus strand). Cytogenetic location: 18p11.31.
Variant type: single nucleotide variant.
Coding change: c.2579G>A on transcript NM_003803.4 (MANE Select); coding-DNA position 2579, G replaced by A.
Protein change: p.Arg860His; replaces arginine 860 with histidine.
Molecular consequence: missense variant. On other transcripts: intron variant (1).
Genome position (GRCh38, 1-based): chr18:3,129,447, C>T on the plus strand (G>A on the coding strand, the complement: MYOM1 is on the minus strand). VCF-style: chr18-3129447-C-T. GRCh37 (hg19) VCF-style: chr18-3129445-C-T.
Other names: c.2506+1928G>A (NM_019856.2); short protein forms R860H.
Identifiers: ClinVar variation 1436131 (VCV001436131.10), dbSNP rs770953683, ClinGen allele CA8874575.
Genomic context (GRCh38, chr18:3,129,447, plus strand): 5'-TTAGGTTTGCTGCCAAGCAAAGCATCTTTCTGGAAGGTTGGCGGGGAGGCTTCATGCACG[C>T]GCCCCCTGGAGGCGGTTAGTCCACCAGGCTCATCGCTCAGTGCGGGACACACATCTGGAG-3'
Protein context (NP_003794.3, residues 850-870): EPGGLTASRG[Arg860His]VHEASPPTFQ